The following is an entry in ClinVar:

NM_001277115.2(DNAH11):c.11804C>T (p.Pro3935Leu)

Gene: DNAH11 (dynein axonemal heavy chain 11; plus strand). Cytogenetic location: 7p15.3.
Variant type: single nucleotide variant.
Coding change: c.11804C>T on transcript NM_001277115.2 (MANE Select); coding-DNA position 11804, C replaced by T.
Protein change: p.Pro3935Leu; replaces proline 3935 with leucine.
Molecular consequence: missense variant.
Genome position (GRCh38, 1-based): chr7:21,867,972, C>T. VCF-style: chr7-21867972-C-T. GRCh37 (hg19) VCF-style: chr7-21907590-C-T.
Other names: NM_001277115.2(DNAH11):c.11804C>T; p.Pro3935Leu; short protein forms P3935L.
Identifiers: ClinVar variation 454644 (VCV000454644.47), dbSNP rs72658814, ClinGen allele CA4182872.

ClinVar aggregate classification (germline): Conflicting classifications of pathogenicity. Review status: criteria provided, conflicting classifications (1 of 4 stars). 11 submissions from 11 submitters: Likely pathogenic (2); Uncertain significance (7); Benign (1). 1 of the submissions does not count toward it. Last evaluated 2026-09-09.

Conditions:
Male infertility. Identifiers: MedGen C0021364, MeSH D007248, MONDO:0005372, HP:0003251.
Primary ciliary dyskinesia. Also called: Ciliary dyskinesia. Identifiers: Orphanet 244, MedGen C0008780, MONDO:0016575, HP:0012265.
Primary ciliary dyskinesia 7. Also called: CILIARY DYSKINESIA, PRIMARY, 7, WITH OR WITHOUT SITUS INVERSUS. Identifiers: Orphanet 244, MedGen C2678473, MONDO:0012748, OMIM 611884.

Allele frequency attached by ClinVar (database versions not stated): ESP Exome Variant Server 0.00008; 1000 Genomes Project 0.00020; gnomAD 0.00025 and 0.00027; TOPMed 0.00026; 1000 Genomes Project 30x 0.00031; gnomAD exomes 0.00032 and 0.00033; ExAC 0.00052.
gnomAD v4.1: 489 of 1,561,636 alleles (0.031%); highest among the groups gnomAD compares: East Asian, 0.054%; 2 homozygotes.

Submissions (11):

GeneDx
Classification: Likely pathogenic. Last evaluated: 2026-09-09. Review status: criteria provided, single submitter. Criteria: GeneDx Variant Classification Process June 2021. Collection method: clinical testing. Allele origin: germline.
Comment: In silico analysis supports that this missense variant has a deleterious effect on protein structure/function; This variant is associated with the following publications: (PMID: 34426522, 33574797, 22184204, 39174791, 34222148)

Labcorp Genetics (formerly Invitae), Labcorp
Classification: Benign for Primary ciliary dyskinesia. Last evaluated: 2026-01-09. Review status: criteria provided, single submitter. Criteria: Invitae Variant Classification Sherloc (09022015). Collection method: clinical testing. Allele origin: germline.

Broad Center for Mendelian Genomics, Broad Institute of MIT and Harvard
Classification: Uncertain significance for Primary ciliary dyskinesia 7. Last evaluated: 2025-02-20. Review status: criteria provided, single submitter. Criteria: ACMG Guidelines, 2015. Collection method: curation. Allele origin: germline. Inheritance: Autosomal recessive inheritance.
Comment: The p.Pro3935Leu variant in DNAH11 has been reported, in the compound heterozygous state, in 1 individual with primary ciliary dyskinesia (PMID: 22184204), and has been identified in 0.05% (23/42250) of East Asian chromosomes by the Genome Aggregation Database (gnomAD; dbSNP rs72658814). Although this variant has been seen in the general population in a heterozygous state, its frequency is not high enough to rule out a pathogenic role. This variant has been reported in ClinVar (Variation ID: 454644) and has been interpreted as likely pathogenic by Ambry Genetics, and a variant of uncertain significance by Baylor Genetics, GeneDx, Fulgent Genetics, and MAGI Group. Computational prediction tools and conservation analyses do not provide strong support for or against an impact to the protein. In summary, the clinical significance of the p.Pro3935Leu variant is uncertain. ACMG/AMP Criteria applied: PM3 (Richards 2015).

Blueprint Genetics
Classification: Uncertain significance. Last evaluated: 2024-11-08. Review status: criteria provided, single submitter. Criteria: ACMG Guidelines, 2015. Collection method: clinical testing. Allele origin: germline.

CeGaT Center for Human Genetics Tuebingen
Classification: Uncertain significance. Last evaluated: 2023-10-01. Review status: criteria provided, single submitter. Criteria: CeGaT Center For Human Genetics Tuebingen Variant Classification Criteria Version 2. Collection method: clinical testing. Allele origin: germline. Affected: yes. Observed: 2 variant alleles.
Comment: DNAH11: PM2:Supporting

Ambry Genetics
Classification: Likely pathogenic for Primary ciliary dyskinesia. Last evaluated: 2023-08-10. Review status: criteria provided, single submitter. Criteria: Ambry Variant Classification Scheme 2023. Collection method: clinical testing. Allele origin: germline.
Comment: The p.P3935L variant (also known as c.11804C>T), located in coding exon 72 of the DNAH11 gene, results from a C to T substitution at nucleotide position 11804. The proline at codon 3935 is replaced by leucine, an amino acid with similar properties. This variant was identified in trans with a nonsense alteration in an individual with situs inversus, low nasal nitric oxide, neonatal respiratory distress, otitis media, sinusitis, and normal ciliary ultrastructure (Knowles MR et al. Thorax, 2012 May;67:433-41). This amino acid position is highly conserved in available vertebrate species. In addition, the in silico prediction for this alteration is inconclusive. Based on the majority of available evidence to date, this variant is likely to be pathogenic.

Department of Pathology and Laboratory Medicine, Sinai Health System
Classification: Uncertain significance for primary ciliary dyskinesia 7. Last evaluated: 2023-01-10. Review status: criteria provided, single submitter. Criteria: ACMG Guidelines, 2015. Collection method: research. Allele origin: germline.

Fulgent Genetics
Classification: Uncertain significance for Primary ciliary dyskinesia 7. Last evaluated: 2022-03-02. Review status: criteria provided, single submitter. Criteria: ACMG Guidelines, 2015. Collection method: clinical testing. Allele origin: unknown.

Baylor Genetics
Classification: Uncertain significance for Primary ciliary dyskinesia 7. Last evaluated: 2018-11-26. Review status: criteria provided, single submitter. Criteria: ACMG Guidelines, 2015. Collection method: clinical testing. Allele origin: paternal. Affected: yes.
Comment: This variant was determined to be of uncertain significance according to ACMG Guidelines, 2015 [PMID:25741868].

Juno Genomics, Hangzhou Juno Genomics, Inc
Classification: Uncertain significance for Primary ciliary dyskinesia 7. Review status: criteria provided, single submitter. Criteria: ACMG Guidelines, 2015. Collection method: clinical testing. Allele origin: germline.
Comment: Absent from controls (or at extremely low frequency if recessive) in Genome Aggregation Database.;For recessive disorders, detected in trans with a pathogenic variant.;Patient's phenotype or family history is highly specific for a disease with a single genetic etiology.

MAGI's Lab - Research, MAGI Group
Classification: Uncertain significance for Male infertility. Review status: no assertion criteria provided. Collection method: provider interpretation. Allele origin: germline. Affected: yes. Not counted in ClinVar's aggregate classification.

Literature cited by the submitters: PubMed 22184204 (cited by Ambry Genetics); DOI 10.3389/fendo.2020.605237 (cited by MAGI's Lab - Research, MAGI Group).